The following is an entry in ClinVar:

ClinVar aggregate classification (germline): Conflicting classifications of pathogenicity. Review status: criteria provided, conflicting classifications (1 of 4 stars). 5 submissions from 5 submitters: Uncertain significance (3); Likely benign (1). 1 of the submissions does not count toward it. Last evaluated 2025-11-17.

Conditions:
Familial cancer of breast. Also called: hereditary breast carcinoma; BREAST CANCER, FAMILIAL; Hereditary breast cancer. Identifiers: Orphanet 227535, MedGen C0346153, MONDO:0016419, OMIM 114480. Disease mechanism: loss of function.
Ataxia-telangiectasia syndrome (AT). Also called: Ataxia-telangiectasia, complementation group D; AT, COMPLEMENTATION GROUP C; Ataxia-telangiectasia, complementation group E; Cerebello-oculocutaneous telangiectasia; Immunodeficiency with ataxia telangiectasia; ATAXIA-TELANGIECTASIA, COMPLEMENTATION GROUP A. Identifiers: Orphanet 100, MedGen C0004135, MONDO:0008840, OMIM 208900.
Hereditary cancer-predisposing syndrome. Also called: Neoplastic Syndromes, Hereditary; Hereditary Cancer Syndrome; Tumor predisposition; Hereditary neoplastic syndrome. Identifiers: Orphanet 140162, MedGen C0027672, MeSH D009386, MONDO:0015356.

Submissions (5):

Labcorp Genetics (formerly Invitae), Labcorp
Classification: Uncertain significance for Ataxia-telangiectasia syndrome. Last evaluated: 2025-11-17. Review status: criteria provided, single submitter. Criteria: Invitae Variant Classification Sherloc (09022015). Collection method: clinical testing. Allele origin: germline.
Comment: This sequence change replaces phenylalanine, which is neutral and non-polar, with leucine, which is neutral and non-polar, at codon 652 of the ATM protein (p.Phe652Leu). This variant is not present in population databases (gnomAD no frequency). This variant has not been reported in the literature in individuals affected with ATM-related conditions. ClinVar contains an entry for this variant (Variation ID: 581696). Invitae Evidence Modeling of protein sequence and biophysical properties (such as structural, functional, and spatial information, amino acid conservation, physicochemical variation, residue mobility, and thermodynamic stability) indicates that this missense variant is not expected to disrupt ATM protein function with a negative predictive value of 95%. In summary, the available evidence is currently insufficient to determine the role of this variant in disease. Therefore, it has been classified as a Variant of Uncertain Significance.

Ambry Genetics
Classification: Likely benign for Hereditary cancer-predisposing syndrome. Last evaluated: 2025-09-30. Review status: criteria provided, single submitter. Criteria: Ambry Variant Classification Scheme 2023. Collection method: clinical testing. Allele origin: germline.

Color Diagnostics, LLC DBA Color Health
Classification: Uncertain significance for Hereditary cancer-predisposing syndrome. Last evaluated: 2025-07-29. Review status: criteria provided, single submitter. Criteria: ACMG Guidelines, 2015. Collection method: clinical testing. Allele origin: germline.
Comment: This missense variant replaces phenylalanine with leucine at codon 652 of the ATM protein. Computational prediction suggests that this variant may not impact protein structure and function. To our knowledge, functional studies have not been reported for this variant. This variant has not been reported in individuals affected with ATM-related disorders in the literature. This variant has not been identified in the general population by the Genome Aggregation Database (gnomAD). The available evidence is insufficient to determine the role of this variant in disease conclusively. Therefore, this variant is classified as a Variant of Uncertain Significance.

Fulgent Genetics
Classification: Uncertain significance for Familial cancer of breast; Ataxia-telangiectasia syndrome. Last evaluated: 2021-08-27. Review status: criteria provided, single submitter. Criteria: ACMG Guidelines, 2015. Collection method: clinical testing. Allele origin: unknown.

Natera, Inc.
Classification: Uncertain significance for Ataxia-telangiectasia. Last evaluated: 2020-09-16. Review status: no assertion criteria provided. Collection method: clinical testing. Allele origin: germline. Not counted in ClinVar's aggregate classification.

Literature cited by the submitters: PubMed 40580951 (cited by Ambry Genetics).

NM_000051.4(ATM):c.1954T>C (p.Phe652Leu)

Gene: ATM (ATM serine/threonine kinase; plus strand). Cytogenetic location: 11q22.3.
Variant type: single nucleotide variant.
Coding change: c.1954T>C on transcript NM_000051.4 (MANE Select); coding-DNA position 1954, T replaced by C.
Protein change: p.Phe652Leu; replaces phenylalanine 652 with leucine.
Molecular consequence: missense variant.
Genome position (GRCh38, 1-based): chr11:108,253,869, T>C. VCF-style: chr11-108253869-T-C. GRCh37 (hg19) VCF-style: chr11-108124596-T-C.
Other names: c.1954T>C, p.Phe652Leu (NM_001351834.2); short protein forms F652L.
Identifiers: ClinVar variation 581696 (VCV000581696.19), dbSNP rs1565389902, ClinGen allele CA382536721.
Genomic context (GRCh38, chr11:108,253,869, plus strand): 5'-TGAAGTGAACACCACCAAAAAGATAAAGAAGAACTTTCATTCTCAGAAGTAGAAGAACTA[T>C]TTCTTCAGACAACTTTTGACAAGATGGACTTTTTAACCATTGTGAGAGAATGTGGTATAG-3'
Protein context (NP_000042.3, residues 642-662): ELSFSEVEEL[Phe652Leu]LQTTFDKMDF